The following is an entry in ClinVar:

ClinVar aggregate classification (germline): Uncertain significance (1 of 4 stars; one submission).

Conditions:
Hereditary breast ovarian cancer syndrome. Also called: Breast and ovarian cancer; BRCA1- and BRCA2-Associated Hereditary Breast and Ovarian Cancer; Hereditary breast and ovarian cancer; Hereditary breast and/or ovarian cancer syndrome; Hereditary breast and ovarian cancer syndrome; Hereditary breast and ovarian cancer syndrome (HBOC). Identifiers: Orphanet 145, MedGen C0677776, MeSH D061325, MONDO:0003582. Disease mechanism: loss of function.

Allele frequency attached by ClinVar (database versions not stated): gnomAD exomes below 0.00001.
gnomAD v4.1: 2 of 1,613,974 alleles (0.00012%); highest among the groups gnomAD compares: East Asian, 0.0022%; no homozygotes.

Submission:

Labcorp Genetics (formerly Invitae), Labcorp
Classification: Uncertain significance for Hereditary breast ovarian cancer syndrome. Last evaluated: 2022-08-20. Review status: criteria provided, single submitter. Criteria: Invitae Variant Classification Sherloc (09022015). Collection method: clinical testing. Allele origin: germline.
Comment: This sequence change replaces proline, which is neutral and non-polar, with leucine, which is neutral and non-polar, at codon 2802 of the BRCA2 protein (p.Pro2802Leu). This variant is not present in population databases (gnomAD no frequency). This missense change has been observed in individual(s) with a personal and/or family history of breast and ovarian cancer as well as unaffected controls (PMID: 24249303, 30287823). Advanced modeling of protein sequence and biophysical properties (such as structural, functional, and spatial information, amino acid conservation, physicochemical variation, residue mobility, and thermodynamic stability) performed at Invitae indicates that this missense variant is not expected to disrupt BRCA2 protein function. In summary, the available evidence is currently insufficient to determine the role of this variant in disease. Therefore, it has been classified as a Variant of Uncertain Significance.

Literature cited by the submitters: PubMed 24249303; PubMed 30287823.

NM_000059.4(BRCA2):c.8405C>T (p.Pro2802Leu)

Gene: BRCA2 (BRCA2 DNA repair associated; plus strand). Cytogenetic location: 13q13.1.
Variant type: single nucleotide variant.
Coding change: c.8405C>T on transcript NM_000059.4 (MANE Select); coding-DNA position 8405, C replaced by T.
Protein change: p.Pro2802Leu; replaces proline 2802 with leucine.
Molecular consequence: missense variant.
Genome position (GRCh38, 1-based): chr13:32,370,475, C>T. VCF-style: chr13-32370475-C-T. GRCh37 (hg19) VCF-style: chr13-32944612-C-T.
Other names: c.8309C>T, p.Pro2770Leu (NM_001406719.1); c.8405C>T, p.Pro2802Leu (NM_001406720.1); c.3473C>T, p.Pro1158Leu (NM_001406721.1); c.1988C>T, p.Pro663Leu (NM_001406722.1); short protein forms P2802L, P2770L, P663L, P1158L.
Identifiers: ClinVar variation 2159524 (VCV002159524.4), dbSNP rs398122606, ClinGen allele CA387752503.